The following is an entry in ClinVar:

NC_000011.10:g.(?_108287594)_(108287721_?)del

Variant type: Deletion.
Identifiers: ClinVar variation 1676606 (VCV001676606.4).

ClinVar aggregate classification (germline): Pathogenic (3 of 4 stars; one submission).

Conditions:
ATM-related cancer predisposition. Also called: ATM-related cancer susceptibility. Identifiers: MedGen CN377759, MONDO:0700270.

Submission:

ClinGen Hereditary Breast, Ovarian and Pancreatic Cancer Variant Curation Expert Panel, ClinGen
Classification: Pathogenic for ATM-related cancer predisposition. Last evaluated: 2022-03-09. Review status: reviewed by expert panel. Criteria: clingen hbop acmg specifications atm v1-1. Collection method: curation. Allele origin: germline. Inheritance: Autosomal dominant inheritance.
Comment: The ATM EX27del variant is absent from gnomAD SVs v2.1 (PM2_supporting). This variant is expected to produce an NMD-prone transcript due to a nonsense or frameshifting event (PVS1). In the absence of potential splicing rescue mechanisms in ATM, all PVS1-eligble truncating variants are expected to be pathogenic based on the existence of known pathogenic C-terminal truncations in the last exon (PM5_Supporting). This variant is absent from gnomAD SVs v2.1 (PM2_Supporting). In summary, this variant meets criteria to be classified as pathogenic based on the ACMG/AMP criteria applied as specified by the HBOP Variant Curation Expert Panel